The following is an entry in ClinVar:

ClinVar aggregate classification (germline): Uncertain significance (1 of 4 stars; one submission).

Conditions:
Familial cold autoinflammatory syndrome 2 (FCAS2). Identifiers: Orphanet 247868, MedGen C2673198, MONDO:0012724, OMIM 611762.

Submission:

Labcorp Genetics (formerly Invitae), Labcorp
Classification: Uncertain significance for Familial cold autoinflammatory syndrome 2. Last evaluated: 2020-06-16. Review status: criteria provided, single submitter. Criteria: Invitae Variant Classification Sherloc (09022015). Collection method: clinical testing. Allele origin: germline.
Comment: In summary, the available evidence is currently insufficient to determine the role of this variant in disease. Therefore, it has been classified as a Variant of Uncertain Significance. Algorithms developed to predict the effect of missense changes on protein structure and function (SIFT, PolyPhen-2, Align-GVGD) all suggest that this variant is likely to be disruptive, but these predictions have not been confirmed by published functional studies and their clinical significance is uncertain. This variant has not been reported in the literature in individuals with NLRP12-related conditions. This variant is not present in population databases (ExAC no frequency). This sequence change replaces methionine with threonine at codon 255 of the NLRP12 protein (p.Met255Thr). The methionine residue is highly conserved and there is a moderate physicochemical difference between methionine and threonine.

NM_144687.4(NLRP12):c.764T>C (p.Met255Thr)

Gene: NLRP12 (NLR family pyrin domain containing 12; minus strand). Cytogenetic location: 19q13.42.
Variant type: single nucleotide variant.
Coding change: c.764T>C on transcript NM_144687.4 (MANE Select); coding-DNA position 764, T replaced by C.
Protein change: p.Met255Thr; replaces methionine 255 with threonine.
Molecular consequence: missense variant.
Genome position (GRCh38, 1-based): chr19:53,810,895, A>G on the plus strand (T>C on the coding strand, the complement: NLRP12 is on the minus strand). VCF-style: chr19-53810895-A-G. GRCh37 (hg19) VCF-style: chr19-54314149-A-G.
Other names: c.764T>C, p.Met255Thr (NM_001277126.2, NM_001277129.1); short protein forms M255T.
Identifiers: ClinVar variation 1025787 (VCV001025787.8), dbSNP rs2092061160, ClinGen allele CA407415858.